The following is an entry in ClinVar:

NM_003998.4(NFKB1):c.2820del (p.Glu941fs)

Gene: NFKB1 (nuclear factor kappa B subunit 1; plus strand). Cytogenetic location: 4q24.
Variant type: Deletion.
Coding change: c.2820del on transcript NM_003998.4 (MANE Select); coding-DNA position 2820, one base deleted (C; older notation c.2820delC).
Protein change: p.Glu941fs; shifts the reading frame from glutamic acid 941.
Molecular consequence: frameshift variant.
Genome position (GRCh38, 1-based): chr4:102,616,504, C deleted; the last of 2 consecutive C bases (chr4:102,616,503-102,616,504); deleting either gives the same sequence. VCF-style (leftmost placement, unchanged base first): chr4-102616502-AC-A. GRCh37 (hg19) VCF-style: chr4-103537659-AC-A.
Other names: c.2817del, p.Glu940fs (NM_001165412.2, NM_001319226.2, NM_001382627.1); c.2820del, p.Glu941fs (NM_001382625.1, NM_001382626.1); c.2778del, p.Glu927fs (NM_001382628.1); short protein forms E927fs, E940fs, E941fs.
Identifiers: ClinVar variation 3252404 (VCV003252404.1), dbSNP rs2476647860.

ClinVar aggregate classification (germline): Uncertain significance (1 of 4 stars; one submission).

Submission:

GeneDx
Classification: Uncertain significance. Last evaluated: 2023-10-19. Review status: criteria provided, single submitter. Criteria: GeneDx Variant Classification Process June 2021. Collection method: clinical testing. Allele origin: germline. Affected: yes.
Comment: Frameshift variant predicted to result in abnormal protein length as the last 29 amino acids are replaced with 2 different amino acids; Not observed at significant frequency in large population cohorts (gnomAD); Has not been previously published as pathogenic or benign to our knowledge